The following is an entry in ClinVar:

ClinVar aggregate classification (germline): Uncertain significance (1 of 4 stars; one submission).

Conditions:
Diamond-Blackfan anemia 18 (DBA18). Identifiers: MedGen C5193020, MONDO:0032668, OMIM 618310.

gnomAD v4.1: 1 of 1,613,292 alleles (0.000062%); highest among the groups gnomAD compares: African/African-American, 0.0013%; no homozygotes.

Submission:

Laboratorio de Genetica e Diagnostico Molecular, Hospital Israelita Albert Einstein
Classification: Uncertain significance for Diamond-Blackfan anemia 18. Last evaluated: 2024-03-08. Review status: criteria provided, single submitter. Criteria: ACMG Guidelines, 2015. Collection method: clinical testing. Allele origin: germline. Affected: yes.
Comment: ACMG classification criteria: PM2 supporting

NM_000979.4(RPL18):c.96C>T (p.Tyr32=)

Gene: RPL18 (ribosomal protein L18; minus strand). Cytogenetic location: 19q13.33.
Variant type: single nucleotide variant.
Coding change: c.96C>T on transcript NM_000979.4 (MANE Select); coding-DNA position 96, C replaced by T.
Protein change: p.Tyr32=; no amino-acid change (tyrosine 32 retained).
Molecular consequence: synonymous variant.
Genome position (GRCh38, 1-based): chr19:48,617,418, G>A on the plus strand (C>T on the coding strand, the complement: RPL18 is on the minus strand). VCF-style: chr19-48617418-G-A. GRCh37 (hg19) VCF-style: chr19-49120675-G-A.
Other names: c.9C>T, p.Tyr3= (NM_001270490.2).
Identifiers: ClinVar variation 4076386 (VCV004076386.1).